The following is an entry in ClinVar:

ClinVar aggregate classification (germline): Likely benign (1 of 4 stars; one submission).

Allele frequency attached by ClinVar (database versions not stated): 1000 Genomes Project 0.00120; 1000 Genomes Project 30x 0.00125; ExAC 0.00328; gnomAD 0.00353; ESP Exome Variant Server 0.00384; gnomAD exomes 0.00578.
gnomAD v4.1: 8,983 of 1,614,088 alleles (0.56%); highest among the groups gnomAD compares: Non-Finnish European, 0.69%; 35 homozygotes.

Submission:

CeGaT Center for Human Genetics Tuebingen
Classification: Likely benign. Last evaluated: 2022-05-01. Review status: criteria provided, single submitter. Criteria: CeGaT Center For Human Genetics Tuebingen Variant Classification Criteria Version 2. Collection method: clinical testing. Allele origin: germline. Affected: yes. Observed: 1 variant allele.
Comment: ADCY4: BP4, BP7

NM_001198568.2(ADCY4):c.1137C>T (p.Ile379=)

Gene: ADCY4 (adenylate cyclase 4; minus strand). Cytogenetic location: 14q12.
Variant type: single nucleotide variant.
Coding change: c.1137C>T on transcript NM_001198568.2 (MANE Select); coding-DNA position 1137, C replaced by T.
Protein change: p.Ile379=; no amino-acid change (isoleucine 379 retained).
Molecular consequence: synonymous variant.
Genome position (GRCh38, 1-based): chr14:24,329,940, G>A on the plus strand (C>T on the coding strand, the complement: ADCY4 is on the minus strand). VCF-style: chr14-24329940-G-A. GRCh37 (hg19) VCF-style: chr14-24799146-G-A.
Other names: c.1137C>T, p.Ile379= (NM_001198592.2, NM_139247.4).
Identifiers: ClinVar variation 2644139 (VCV002644139.24), dbSNP rs72694358, ClinGen allele CA7134706.